The following is an entry in ClinVar:

ClinVar aggregate classification (germline): Uncertain significance (1 of 4 stars; one submission).

Conditions:
Inborn genetic diseases. Identifiers: MedGen C0950123, MeSH D030342.

Submission:

Ambry Genetics
Classification: Uncertain significance for Inborn genetic diseases. Last evaluated: 2026-04-12. Review status: criteria provided, single submitter. Criteria: Ambry Variant Classification Scheme 2023. Collection method: clinical testing. Allele origin: germline.
Comment: The p.H220D variant (also known as c.658C>G), located in coding exon 7 of the AKT1 gene, results from a C to G substitution at nucleotide position 658. The histidine at codon 220 is replaced by aspartic acid, an amino acid with similar properties. This amino acid position is conserved. In addition, the in silico prediction for this alteration is inconclusive. Based on the available evidence, the clinical significance of this variant remains unclear.

NM_001382430.1(AKT1):c.658C>G (p.His220Asp)

Gene: AKT1 (AKT serine/threonine kinase 1; minus strand). Cytogenetic location: 14q32.33.
Variant type: single nucleotide variant.
Coding change: c.658C>G on transcript NM_001382430.1 (MANE Select); coding-DNA position 658, C replaced by G.
Protein change: p.His220Asp; replaces histidine 220 with aspartic acid.
Molecular consequence: missense variant.
Genome position (GRCh38, 1-based): chr14:104,773,956, G>C on the plus strand (C>G on the coding strand, the complement: AKT1 is on the minus strand). VCF-style: chr14-104773956-G-C. GRCh37 (hg19) VCF-style: chr14-105240293-G-C.
Other names: c.658C>G, p.His220Asp (NM_001014431.2, NM_001014432.2, NM_001382431.1 and 3 more transcripts); short protein forms H220D.
Identifiers: ClinVar variation 4869229 (VCV004869229.1).